The following is an entry in ClinVar:

NM_006060.6(IKZF1):c.161-8275C>T

Gene: IKZF1 (IKAROS family zinc finger 1; plus strand). Cytogenetic location: 7p12.2.
Variant type: single nucleotide variant.
Coding change: c.161-8275C>T on transcript NM_006060.6 (MANE Select); 8275 bases into the intron before coding-DNA position 161, C replaced by T.
Molecular consequence: intron variant. On other transcripts: missense variant (1).
Genome position (GRCh38, 1-based): chr7:50,368,258, C>T. VCF-style: chr7-50368258-C-T. GRCh37 (hg19) VCF-style: chr7-50435956-C-T.
Other names: c.413C>T, p.Ala138Val (NM_001291845.2); c.220+193C>T (NM_001410879.1, NM_001291846.2, NM_001291847.2); c.161-14282C>T (NM_001291839.2, NM_001291838.2, NM_001220767.2 and 1 more transcripts); c.161-8275C>T (NM_001220765.3, NM_001291837.2, NM_001220768.2 and 1 more transcripts); c.161-19087C>T (NM_001291841.1, NM_001291842.1); c.161-23471C>T (NM_001291843.1, NM_001291844.1); c.161-31660C>T (NM_001291840.1); c.413C>T (NM_001291845.1); short protein forms A138V.
Identifiers: ClinVar variation 2577885 (VCV002577885.24), dbSNP rs541802498, ClinGen allele CA158208169.
Genomic context (GRCh38, chr7:50,368,258, plus strand): 5'-ACCATATCATTTTTGGGTATTTATACCATAAAGTGCAAAACGAAGGTCTAGGCAGTTGTG[C>T]GGTGTCCTGGGAGCATGGCAGTGGAGTAACAGTAAGGGTTGGAGTCACAGTAGCACTGAT-3'

ClinVar aggregate classification (germline): Conflicting classifications of pathogenicity. Review status: criteria provided, conflicting classifications (1 of 4 stars). 4 submissions from 4 submitters: Uncertain significance (1); Likely benign (2). 1 of the submissions does not count toward it. Last evaluated 2024-10-15.

Conditions:
IKZF1-related disorder. Also called: IKZF1-related condition.
Acute lymphoid leukemia (ALL). Also called: Acute lymphoblastic leukemia; Acute lymphocytic leukemia; Leukemia, acute lymphoblastic, somatic; Lymphoblastic leukemia. Identifiers: Orphanet 513, MedGen C0023449, MONDO:0004967, OMIM 613065, HP:0006721.

Allele frequency attached by ClinVar (database versions not stated): TOPMed 0.00009; gnomAD 0.00012; gnomAD exomes 0.00017.
gnomAD v4.1: 108 of 703,142 alleles (0.015%); highest among the groups gnomAD compares: Middle Eastern, 1%; 2 homozygotes.

Submissions (4):

Blueprint Genetics
Classification: Likely benign. Last evaluated: 2024-10-15. Review status: criteria provided, single submitter. Criteria: ACMG Guidelines, 2015. Collection method: clinical testing. Allele origin: germline.

CeGaT Center for Human Genetics Tuebingen
Classification: Likely benign. Last evaluated: 2023-12-01. Review status: criteria provided, single submitter. Criteria: CeGaT Center For Human Genetics Tuebingen Variant Classification Criteria Version 2. Collection method: clinical testing. Allele origin: germline. Affected: yes. Observed: 1 variant allele.
Comment: IKZF1: BP4

St. Jude Molecular Pathology, St. Jude Children's Research Hospital
Classification: Uncertain significance for Acute lymphoid leukemia. Last evaluated: 2023-08-17. Review status: criteria provided, single submitter. Criteria: St. Jude Assertion Criteria 2020. Collection method: clinical testing. Allele origin: germline.
Comment: The IKZF1 c.413C>T (p.Ala138Val) missense change has a maximum subpopulation frequency of 0.019% in gnomAD v2.1.1. The in silico tool REVEL predicts a benign effect on protein function, but to our knowledge this prediction has not been confirmed by functional studies. This variant occurs in a gene where missense variants are more likely to be damaging based on methods described by Lek et al. (PMID: 27535533). This variant has been reported in an individual with common variable immunodeficiency (PMID: 29921932). In summary, the evidence currently available is insufficient to determine the clinical significance of this variant. It has therefore been classified as of uncertain significance.

PreventionGenetics, part of Exact Sciences
Classification: Uncertain significance for IKZF1-related condition. Last evaluated: 2024-09-12. Review status: no assertion criteria provided. Collection method: clinical testing. Allele origin: germline. Not counted in ClinVar's aggregate classification.
Comment: The IKZF1 c.413C>T variant is predicted to result in the amino acid substitution p.Ala138Val. In the main transcript (NM_006060) this variant is located within a deep intronic region (c.161-8275C>T) and is not predicted to impact splicing based on available splicing prediction programs (SpliceAI, Jaganathan et al. 2019. PubMed ID: 30661751). To our knowledge, this variant has not been reported in the literature. This variant is reported in 0.020% of alleles in individuals of Latino descent in gnomAD. Although we suspect that this variant may be benign, at this time, the clinical significance of this variant is uncertain due to the absence of conclusive functional and genetic evidence.